The following is an entry in ClinVar:

NM_032119.4(ADGRV1):c.7648A>T (p.Ile2550Phe)

Gene: ADGRV1 (adhesion G protein-coupled receptor V1; plus strand). Cytogenetic location: 5q14.3.
Variant type: single nucleotide variant.
Coding change: c.7648A>T on transcript NM_032119.4 (MANE Select); coding-DNA position 7648, A replaced by T.
Protein change: p.Ile2550Phe; replaces isoleucine 2550 with phenylalanine.
Molecular consequence: missense variant. On other transcripts: non-coding transcript variant (1).
Genome position (GRCh38, 1-based): chr5:90,694,404, A>T. VCF-style: chr5-90694404-A-T. GRCh37 (hg19) VCF-style: chr5-89990221-A-T.
Other names: short protein forms I2550F.
Identifiers: ClinVar variation 1360887 (VCV001360887.6), dbSNP rs2149642544, ClinGen allele CA360380120.

ClinVar aggregate classification (germline): Uncertain significance (1 of 4 stars; one submission).

Submission:

Labcorp Genetics (formerly Invitae), Labcorp
Classification: Uncertain significance. Last evaluated: 2021-09-23. Review status: criteria provided, single submitter. Criteria: Invitae Variant Classification Sherloc (09022015). Collection method: clinical testing. Allele origin: germline.
Comment: This variant has not been reported in the literature in individuals affected with ADGRV1-related conditions. This sequence change replaces isoleucine with phenylalanine at codon 2550 of the ADGRV1 protein (p.Ile2550Phe). The isoleucine residue is moderately conserved and there is a small physicochemical difference between isoleucine and phenylalanine. This variant is not present in population databases (ExAC no frequency). Algorithms developed to predict the effect of missense changes on protein structure and function are either unavailable or do not agree on the potential impact of this missense change (SIFT: "Deleterious"; PolyPhen-2: "Benign"; Align-GVGD: "Class C0"). In summary, the available evidence is currently insufficient to determine the role of this variant in disease. Therefore, it has been classified as a Variant of Uncertain Significance.